The following is an entry in ClinVar:

NM_003001.5(SDHC):c.-5C>A

Gene: SDHC (succinate dehydrogenase complex subunit C; plus strand). Cytogenetic location: 1q23.3.
Variant type: single nucleotide variant.
Coding change: c.-5C>A on transcript NM_003001.5 (MANE Select); 5 bases upstream of the start codon, C replaced by A.
Molecular consequence: 5 prime UTR variant.
Genome position (GRCh38, 1-based): chr1:161,314,401, C>A. VCF-style: chr1-161314401-C-A. GRCh37 (hg19) VCF-style: chr1-161284191-C-A.
Other names: c.-5C>A (NM_001035511.3, NM_001035512.3, NM_001035513.3 and 6 more transcripts); c.-565C>A (NM_001407119.1); c.-234C>A (NM_001407120.1).
Identifiers: ClinVar variation 1750980 (VCV001750980.3), dbSNP rs1457212522, ClinGen allele CA2580061295.

ClinVar aggregate classification (germline): Uncertain significance (1 of 4 stars; one submission).

Conditions:
Hereditary cancer-predisposing syndrome. Also called: Hereditary Cancer Syndrome; Hereditary neoplastic syndrome; Neoplastic Syndromes, Hereditary; Tumor predisposition. Identifiers: Orphanet 140162, MedGen C0027672, MeSH D009386, MONDO:0015356.

Submission:

Ambry Genetics
Classification: Uncertain significance for Hereditary cancer-predisposing syndrome. Last evaluated: 2025-03-06. Review status: criteria provided, single submitter. Criteria: Ambry Variant Classification Scheme 2023. Collection method: clinical testing. Allele origin: germline.
Comment: The c.-5C>A variant is located in the 5' untranslated region (5&rsquo; UTR) of the SDHC gene. This variant results from a C to A substitution 5 bases upstream from the first translated codon. This nucleotide position is not well conserved in available vertebrate species. Since supporting evidence is limited at this time, the clinical significance of this alteration remains unclear.